The following is an entry in ClinVar:

ClinVar aggregate classification (germline): Benign/Likely benign. Review status: criteria provided, multiple submitters, no conflicts (2 of 4 stars). 2 submissions from 2 submitters: Benign (1); Likely benign (1). Last evaluated 2025-12-22.

Conditions:
Methylmalonic acidemia with homocystinuria, type cblX (MAHCX). Also called: INTELLECTUAL DEVELOPMENTAL DISORDER, X-LINKED 3. Identifiers: Orphanet 369962, MedGen C0796208, MONDO:0010657, OMIM 309541.

Allele frequency attached by ClinVar (database versions not stated): TOPMed 0.00006; gnomAD exomes 0.00007 and 0.00004; gnomAD 0.00011 and 0.00005; ExAC 0.00015; 1000 Genomes Project 0.00132; 1000 Genomes Project 30x 0.00208.
gnomAD v4.1: 58 of 1,140,034 alleles (0.0051%); highest among the groups gnomAD compares: Admixed American, 0.076%; no homozygotes.

Submissions (2):

Labcorp Genetics (formerly Invitae), Labcorp
Classification: Benign for Methylmalonic acidemia with homocystinuria, type cblX. Last evaluated: 2025-12-22. Review status: criteria provided, single submitter. Criteria: Invitae Variant Classification Sherloc (09022015). Collection method: clinical testing. Allele origin: germline.

GeneDx
Classification: Likely benign. Last evaluated: 2018-05-22. Review status: criteria provided, single submitter. Criteria: GeneDx Variant Classification (06012015). Collection method: clinical testing. Allele origin: germline. Affected: yes.
Comment: This variant is considered likely benign or benign based on one or more of the following criteria: it is a conservative change, it occurs at a poorly conserved position in the protein, it is predicted to be benign by multiple in silico algorithms, and/or has population frequency not consistent with disease.

NM_005334.3(HCFC1):c.1606-13G>A

Gene: HCFC1 (host cell factor C1; minus strand). Cytogenetic location: Xq28.
Variant type: single nucleotide variant.
Coding change: c.1606-13G>A on transcript NM_005334.3 (MANE Select); 13 bases into the intron before coding-DNA position 1606, G replaced by A.
Molecular consequence: intron variant.
Genome position (GRCh38, 1-based): chrX:153,958,779, C>T on the plus strand (G>A on the coding strand, the complement: HCFC1 is on the minus strand). VCF-style: chrX-153958779-C-T. GRCh37 (hg19) VCF-style: chrX-153224230-C-T.
Identifiers: ClinVar variation 667530 (VCV000667530.9), dbSNP rs782300809, ClinGen allele CA10557470.